The following is an entry in ClinVar:

NM_006796.3(AFG3L2):c.1779+1G>A

Gene: AFG3L2 (AFG3 like matrix AAA peptidase subunit 2; minus strand). Cytogenetic location: 18p11.21.
Variant type: single nucleotide variant.
Coding change: c.1779+1G>A on transcript NM_006796.3 (MANE Select); the canonical splice donor site of the intron after coding-DNA position 1779, G replaced by A.
Molecular consequence: splice donor variant.
Genome position (GRCh38, 1-based): chr18:12,344,131, C>T on the plus strand (G>A on the coding strand, the complement: AFG3L2 is on the minus strand). VCF-style: chr18-12344131-C-T. GRCh37 (hg19) VCF-style: chr18-12344130-C-T.
Identifiers: ClinVar variation 2053882 (VCV002053882.4), dbSNP rs1466606544, ClinGen allele CA401948578.

ClinVar aggregate classification (germline): Likely pathogenic (1 of 4 stars; one submission).

Allele frequency attached by ClinVar (database versions not stated): gnomAD exomes 0.00001; TOPMed 0.00001.
gnomAD v4.1: 4 of 1,612,906 alleles (0.00025%); highest among the groups gnomAD compares: Admixed American, 0.0067%; no homozygotes.

Submission:

Labcorp Genetics (formerly Invitae), Labcorp
Classification: Likely pathogenic. Last evaluated: 2023-07-21. Review status: criteria provided, single submitter. Criteria: Invitae Variant Classification Sherloc (09022015). Collection method: clinical testing. Allele origin: germline.
Comment: This sequence change affects a donor splice site in intron 14 of the AFG3L2 gene. It is expected to disrupt RNA splicing. Variants that disrupt the donor or acceptor splice site typically lead to a loss of protein function (PMID: 16199547), and loss-of-function variants in AFG3L2 are known to be pathogenic (PMID: 32248051). In summary, the currently available evidence indicates that the variant is pathogenic, but additional data are needed to prove that conclusively. Therefore, this variant has been classified as Likely Pathogenic. Algorithms developed to predict the effect of sequence changes on RNA splicing suggest that this variant may disrupt the consensus splice site. ClinVar contains an entry for this variant (Variation ID: 2053882). This variant has not been reported in the literature in individuals affected with AFG3L2-related conditions. This variant is present in population databases (no rsID available, gnomAD 0.006%).

Literature cited by the submitters: PubMed 16199547; PubMed 32248051.